The following is an entry in ClinVar:

NM_032545.4(CFC1):c.467G>A (p.Arg156His)

Gene: CFC1 (cryptic, EGF-CFC family member 1; minus strand). Cytogenetic location: 2q21.1.
Variant type: single nucleotide variant.
Coding change: c.467G>A on transcript NM_032545.4 (MANE Select); coding-DNA position 467, G replaced by A.
Protein change: p.Arg156His; replaces arginine 156 with histidine.
Molecular consequence: missense variant. On other transcripts: intron variant (1).
Genome position (GRCh38, 1-based): chr2:130,597,499, C>T on the plus strand (G>A on the coding strand, the complement: CFC1 is on the minus strand). VCF-style: chr2-130597499-C-T. GRCh37 (hg19) VCF-style: chr2-131355072-C-T.
Other names: c.352G>A, p.Ala118Thr (NM_001270420.2); c.247+1143G>A (NM_001270421.2); short protein forms A118T, R156H.
Identifiers: ClinVar variation 4975695 (VCV004975695.1).

ClinVar aggregate classification (germline): Uncertain significance (1 of 4 stars; one submission).

Submission:

GeneDx
Classification: Uncertain significance. Last evaluated: 2026-01-26. Review status: criteria provided, single submitter. Criteria: GeneDx Variant Classification Process June 2021. Collection method: clinical testing. Allele origin: germline.
Comment: Not observed at significant frequency in large population cohorts (gnomAD); In silico analysis suggests that this missense variant does not alter protein structure/function; Has not been previously published as pathogenic or benign to our knowledge